The following is an entry in ClinVar:

NM_001243279.3(ACSF3):c.820C>T (p.Gln274Ter)

Gene: ACSF3 (acyl-CoA synthetase family member 3; plus strand). Cytogenetic location: 16q24.3.
Variant type: single nucleotide variant.
Coding change: c.820C>T on transcript NM_001243279.3 (MANE Select); coding-DNA position 820, C replaced by T.
Protein change: p.Gln274Ter; replaces glutamine 274 with a stop codon.
Molecular consequence: nonsense. On other transcripts: non-coding transcript variant (3).
Genome position (GRCh38, 1-based): chr16:89,102,757, C>T. VCF-style: chr16-89102757-C-T. GRCh37 (hg19) VCF-style: chr16-89169165-C-T.
Other names: c.820C>T, p.Gln274Ter (NM_001127214.4, NM_174917.5); c.25C>T, p.Gln9Ter (NM_001284316.2); c.820C>T (NM_174917.4); short protein forms Q274*, Q9*.
Identifiers: ClinVar variation 1071065 (VCV001071065.11), dbSNP rs2151416957, ClinGen allele CA397138099.

ClinVar aggregate classification (germline): Pathogenic/Likely pathogenic. Review status: criteria provided, multiple submitters, no conflicts (2 of 4 stars). 3 submissions from 3 submitters: Pathogenic (2); Likely pathogenic (1). Last evaluated 2025-01-16.

Conditions:
Combined malonic and methylmalonic acidemia. Identifiers: Orphanet 289504, MedGen C3280314, MONDO:0013661, OMIM 614265.

Submissions (3):

Natera, Inc.
Classification: Likely pathogenic for Combined malonic and methylmalonic aciduria. Last evaluated: 2025-01-16. Review status: criteria provided, single submitter. Criteria: Natera Variant Classification Schema (03/2026). Collection method: clinical testing. Allele origin: germline.
Comment: The c.820C>T variant in ACSF3 is a nonsense variant predicted to introduce a stop codon at amino acid 274. This variant is expected to result in nonsense mediated decay, truncation, or a dysfunctional protein product. This variant is rare in the general population with a frequency below the threshold expected for the associated phenotype(s). Given the available evidence, this variant is classified as Likely Pathogenic.

Baylor Genetics
Classification: Pathogenic for Combined malonic and methylmalonic acidemia. Last evaluated: 2024-02-04. Review status: criteria provided, single submitter. Criteria: ACMG Guidelines, 2015. Collection method: clinical testing. Allele origin: unknown.

Labcorp Genetics (formerly Invitae), Labcorp
Classification: Pathogenic for Combined malonic and methylmalonic acidemia. Last evaluated: 2020-10-14. Review status: criteria provided, single submitter. Criteria: Invitae Variant Classification Sherloc (09022015). Collection method: clinical testing. Allele origin: germline.
Comment: Loss-of-function variants in ACSF3 are known to be pathogenic (PMID: 21841779, 26827111). For these reasons, this variant has been classified as Pathogenic. Algorithms developed to predict the effect of sequence changes on RNA splicing suggest that this variant may create or strengthen a splice site, but this prediction has not been confirmed by published transcriptional studies. This sequence change creates a premature translational stop signal (p.Gln274*) in the ACSF3 gene. It is expected to result in an absent or disrupted protein product. This variant is not present in population databases (ExAC no frequency). This variant has been observed in individual(s) with combined malonic and methylmalonic aciduria (PMID: 30041674).

Literature cited by the submitters: PubMed 21841779 (cited by Labcorp Genetics (formerly Invitae), Labcorp); PubMed 26827111 (cited by Labcorp Genetics (formerly Invitae), Labcorp); PubMed 30041674 (cited by Labcorp Genetics (formerly Invitae), Labcorp).